The following is an entry in ClinVar:

ClinVar aggregate classification (germline): Uncertain significance (1 of 4 stars; one submission).

Submission:

GeneDx
Classification: Uncertain significance. Last evaluated: 2026-03-30. Review status: criteria provided, single submitter. Criteria: GeneDx Variant Classification Process June 2021. Collection method: clinical testing. Allele origin: germline.
Comment: Not observed at significant frequency in large population cohorts (gnomAD); In silico analysis supports that this missense variant has a deleterious effect on protein structure/function; Has not been previously published as pathogenic or benign to our knowledge

NM_001845.6(COL4A1):c.4322C>T (p.Ser1441Phe)

Gene: COL4A1 (collagen type IV alpha 1 chain; minus strand). Cytogenetic location: 13q34.
Variant type: single nucleotide variant.
Coding change: c.4322C>T on transcript NM_001845.6 (MANE Select); coding-DNA position 4322, C replaced by T.
Protein change: p.Ser1441Phe; replaces serine 1441 with phenylalanine.
Molecular consequence: missense variant.
Genome position (GRCh38, 1-based): chr13:110,162,370, G>A on the plus strand (C>T on the coding strand, the complement: COL4A1 is on the minus strand). VCF-style: chr13-110162370-G-A. GRCh37 (hg19) VCF-style: chr13-110814717-G-A.
Other names: short protein forms S1441F.
Identifiers: ClinVar variation 5017917 (VCV005017917.1).
Genomic context (GRCh38, chr13:110,162,370, plus strand): 5'-GGACACTGTGGGTCATCTATTGTTTGACTATGCCTGGTCACAAGGAAGCCGTGATCAACA[G>A]ATGGGGTGCCTGGGGGCCCCATGGATCCTGGCAACCCATCGGGGCCTGGTGGACCTGGAA-3'
Protein context (NP_001836.3, residues 1431-1451): PGSMGPPGTP[Ser1441Phe]VDHGFLVTRH